The following is an entry in ClinVar:

NM_201525.4(ADGRG1):c.*98C>T

Gene: ADGRG1 (adhesion G protein-coupled receptor G1; plus strand). Cytogenetic location: 16q21.
Variant type: single nucleotide variant.
Coding change: c.*98C>T on transcript NM_201525.4 (MANE Select); 98 bases downstream of the stop codon, C replaced by T.
Molecular consequence: 3 prime UTR variant.
Genome position (GRCh38, 1-based): chr16:57,663,680, C>T. VCF-style: chr16-57663680-C-T. GRCh37 (hg19) VCF-style: chr16-57697592-C-T.
Other names: c.*98C>T (NM_001145770.3, NM_001145771.3, NM_001145772.3 and 25 more transcripts).
Identifiers: ClinVar variation 884998 (VCV000884998.6), dbSNP rs74022021, ClinGen allele CA281583975.

ClinVar aggregate classification (germline): Benign. Review status: criteria provided, multiple submitters, no conflicts (2 of 4 stars). 3 submissions from 3 submitters: Benign (3). Last evaluated 2018-06-30.

Conditions:
Bilateral frontoparietal polymicrogyria. Also called: CEREBELLAR ATAXIA WITH NEURONAL MIGRATION DEFECT; CORTICAL DYSPLASIA, COMPLEX, WITH OTHER BRAIN MALFORMATIONS 14A (BILATERAL FRONTOPARIETAL). Identifiers: Orphanet 101070, MedGen C1847352, MONDO:0011738, OMIM 606854.

Allele frequency attached by ClinVar (database versions not stated): TOPMed 0.03282; 1000 Genomes Project 30x 0.03435; gnomAD 0.02859 and 0.03046; 1000 Genomes Project 0.03175.
gnomAD v4.1: 7,861 of 1,402,216 alleles (0.56%); highest among the groups gnomAD compares: African/African-American, 9.6%; 357 homozygotes.

Submissions (3):

GeneDx
Classification: Benign. Last evaluated: 2018-06-30. Review status: criteria provided, single submitter. Criteria: GeneDx Variant Classification Process June 2021. Collection method: clinical testing. Allele origin: germline. Affected: yes.

Illumina Laboratory Services, Illumina
Classification: Benign for Bilateral frontoparietal polymicrogyria. Last evaluated: 2018-01-12. Review status: criteria provided, single submitter. Criteria: ICSL Variant Classification Criteria 13 December 2019. Collection method: clinical testing. Allele origin: germline.
Comment: This variant was observed in the ICSL laboratory as part of a predisposition screen in an ostensibly healthy population. It had not been previously curated by ICSL or reported in the Human Gene Mutation Database (HGMD: prior to June 1st, 2018), and was therefore a candidate for classification through an automated scoring system. Utilizing variant allele frequency, disease prevalence and penetrance estimates, and inheritance mode, an automated score was calculated to assess if this variant is too frequent to cause the disease. Based on the score and internal cut-off values, a variant classified as benign is not then subjected to further curation. The score for this variant resulted in a classification of benign for this disease.

Breakthrough Genomics
Classification: Benign. Review status: criteria provided, single submitter. Criteria: ACMG Guidelines, 2015. Collection method: not provided. Allele origin: germline. Inheritance: Autosomal recessive inheritance. Affected: yes.